The following is an entry in ClinVar:

ClinVar aggregate classification (germline): Uncertain significance (1 of 4 stars; one submission).

Allele frequency attached by ClinVar (database versions not stated): gnomAD exomes below 0.00001.
gnomAD v4.1: 2 of 1,602,084 alleles (0.00012%); highest among the groups gnomAD compares: South Asian, 0.0011%; no homozygotes.

Submission:

Labcorp Genetics (formerly Invitae), Labcorp
Classification: Uncertain significance. Last evaluated: 2021-08-27. Review status: criteria provided, single submitter. Criteria: Invitae Variant Classification Sherloc (09022015). Collection method: clinical testing. Allele origin: germline.
Comment: This sequence change replaces proline with alanine at codon 146 of the CDH23 protein (p.Pro146Ala). The proline residue is highly conserved and there is a small physicochemical difference between proline and alanine. This variant is not present in population databases (ExAC no frequency). This variant has not been reported in the literature in individuals affected with CDH23-related conditions. Algorithms developed to predict the effect of missense changes on protein structure and function are either unavailable or do not agree on the potential impact of this missense change (SIFT: "Deleterious"; PolyPhen-2: "Not Available"; Align-GVGD: "Class C0"). In summary, the available evidence is currently insufficient to determine the role of this variant in disease. Therefore, it has been classified as a Variant of Uncertain Significance.

NM_022124.6(CDH23):c.436C>G (p.Pro146Ala)

Gene: CDH23 (cadherin related 23; plus strand). Cytogenetic location: 10q22.1.
Variant type: single nucleotide variant.
Coding change: c.436C>G on transcript NM_022124.6 (MANE Select); coding-DNA position 436, C replaced by G.
Protein change: p.Pro146Ala; replaces proline 146 with alanine.
Molecular consequence: missense variant.
Genome position (GRCh38, 1-based): chr10:71,566,748, C>G. VCF-style: chr10-71566748-C-G. GRCh37 (hg19) VCF-style: chr10-73326505-C-G.
Other names: c.436C>G, p.Pro146Ala (NM_001171930.2, NM_001171931.2, NM_001171932.2 and 1 more transcripts); short protein forms P146A.
Identifiers: ClinVar variation 1014524 (VCV001014524.6), dbSNP rs1446817093, ClinGen allele CA377111701.